The following is an entry in ClinVar:

NM_000400.4(ERCC2):c.461A>G (p.His154Arg)

Gene: ERCC2 (ERCC excision repair 2, TFIIH core complex helicase subunit; minus strand). Cytogenetic location: 19q13.32.
Variant type: single nucleotide variant.
Coding change: c.461A>G on transcript NM_000400.4 (MANE Select); coding-DNA position 461, A replaced by G.
Protein change: p.His154Arg; replaces histidine 154 with arginine.
Molecular consequence: missense variant.
Genome position (GRCh38, 1-based): chr19:45,365,058, T>C on the plus strand (A>G on the coding strand, the complement: ERCC2 is on the minus strand). VCF-style: chr19-45365058-T-C. GRCh37 (hg19) VCF-style: chr19-45868316-T-C.
Other names: c.389A>G, p.His130Arg (NM_001130867.2); short protein forms H130R, H154R.
Identifiers: ClinVar variation 1741940 (VCV001741940.2), dbSNP rs1599745310, ClinGen allele CA406375873.

ClinVar aggregate classification (germline): Uncertain significance (1 of 4 stars; one submission).

Conditions:
Inborn genetic diseases. Identifiers: MedGen C0950123, MeSH D030342.

Allele frequency attached by ClinVar (database versions not stated): gnomAD exomes below 0.00001.
gnomAD v4.1: 1 of 1,613,880 alleles (0.000062%); highest among the groups gnomAD compares: South Asian, 0.0011%; no homozygotes.

Submission:

Ambry Genetics
Classification: Uncertain significance for Inborn genetic diseases. Last evaluated: 2023-12-07. Review status: criteria provided, single submitter. Criteria: Ambry Variant Classification Scheme 2023. Collection method: clinical testing. Allele origin: germline.
Comment: The p.H154R variant (also known as c.461A>G), located in coding exon 6 of the ERCC2 gene, results from an A to G substitution at nucleotide position 461. The histidine at codon 154 is replaced by arginine, an amino acid with highly similar properties. This amino acid position is conserved. In addition, the in silico prediction for this alteration is inconclusive. Since supporting evidence is limited at this time, the clinical significance of this alteration remains unclear.